The following is an entry in ClinVar:

ClinVar aggregate classification (germline): Conflicting classifications of pathogenicity. Review status: criteria provided, conflicting classifications (1 of 4 stars). 3 submissions from 3 submitters: Uncertain significance (2); Likely benign (1). Last evaluated 2024-11-07.

Conditions:
Autosomal recessive nonsyndromic hearing loss 97. Also called: Deafness, autosomal recessive 97. Identifiers: Orphanet 90636, MedGen C4084709, MONDO:0014739, OMIM 616705.
Renal cell carcinoma. Identifiers: Orphanet 217071, MedGen C0007134, MeSH D002292, MONDO:0005086, HP:0005584.
Hereditary cancer-predisposing syndrome. Also called: Neoplastic Syndromes, Hereditary; Tumor predisposition; Hereditary Cancer Syndrome; Hereditary neoplastic syndrome. Identifiers: Orphanet 140162, MedGen C0027672, MeSH D009386, MONDO:0015356.

Allele frequency attached by ClinVar (database versions not stated): gnomAD exomes 0.00001.
gnomAD v4.1: 10 of 1,614,174 alleles (0.00062%); highest among the groups gnomAD compares: Non-Finnish European, 0.00085%; no homozygotes.

Submissions (3):

Ambry Genetics
Classification: Likely benign for Hereditary cancer-predisposing syndrome. Last evaluated: 2024-11-07. Review status: criteria provided, single submitter. Criteria: Ambry Variant Classification Scheme 2023. Collection method: clinical testing. Allele origin: germline.

Labcorp Genetics (formerly Invitae), Labcorp
Classification: Uncertain significance for Renal cell carcinoma. Last evaluated: 2024-10-30. Review status: criteria provided, single submitter. Criteria: Invitae Variant Classification Sherloc (09022015). Collection method: clinical testing. Allele origin: germline.
Comment: This sequence change replaces glutamine, which is neutral and polar, with arginine, which is basic and polar, at codon 537 of the MET protein (p.Gln537Arg). This variant is not present in population databases (gnomAD no frequency). This variant has not been reported in the literature in individuals affected with MET-related conditions. ClinVar contains an entry for this variant (Variation ID: 1776377). Invitae Evidence Modeling of protein sequence and biophysical properties (such as structural, functional, and spatial information, amino acid conservation, physicochemical variation, residue mobility, and thermodynamic stability) indicates that this missense variant is not expected to disrupt MET protein function with a negative predictive value of 80%. In summary, the available evidence is currently insufficient to determine the role of this variant in disease. Therefore, it has been classified as a Variant of Uncertain Significance.

Baylor Genetics
Classification: Uncertain significance for Autosomal recessive nonsyndromic hearing loss 97. Last evaluated: 2023-12-11. Review status: criteria provided, single submitter. Criteria: ACMG Guidelines, 2015. Collection method: clinical testing. Allele origin: unknown.

NM_000245.4(MET):c.1610A>G (p.Gln537Arg)

Gene: MET (MET proto-oncogene, receptor tyrosine kinase; plus strand). Cytogenetic location: 7q31.2.
Variant type: single nucleotide variant.
Coding change: c.1610A>G on transcript NM_000245.4 (MANE Select); coding-DNA position 1610, A replaced by G.
Protein change: p.Gln537Arg; replaces glutamine 537 with arginine.
Molecular consequence: missense variant.
Genome position (GRCh38, 1-based): chr7:116,740,934, A>G. VCF-style: chr7-116740934-A-G. GRCh37 (hg19) VCF-style: chr7-116380988-A-G.
Other names: c.1610A>G, p.Gln537Arg (NM_001127500.3, NM_001324401.3); c.320A>G, p.Gln107Arg (NM_001324402.2); short protein forms Q107R, Q537R.
Identifiers: ClinVar variation 1776377 (VCV001776377.7), dbSNP rs2116835879, ClinGen allele CA368975443.